The following is an entry in ClinVar:

NM_004595.5(SMS):c.698T>C (p.Met233Thr)

Gene: SMS (spermine synthase; plus strand). Cytogenetic location: Xp22.11.
Variant type: single nucleotide variant.
Coding change: c.698T>C on transcript NM_004595.5 (MANE Select); coding-DNA position 698, T replaced by C.
Protein change: p.Met233Thr; replaces methionine 233 with threonine.
Molecular consequence: missense variant.
Genome position (GRCh38, 1-based): chrX:21,978,914, T>C. VCF-style: chrX-21978914-T-C. GRCh37 (hg19) VCF-style: chrX-21997032-T-C.
Other names: c.539T>C, p.Met180Thr (NM_001258423.2); short protein forms M180T, M233T.
Identifiers: ClinVar variation 1806829 (VCV001806829.2), dbSNP rs2519671174, ClinGen allele CA412569053.

ClinVar aggregate classification (germline): Uncertain significance (1 of 4 stars; one submission).

Submission:

GeneDx
Classification: Uncertain significance. Last evaluated: 2023-06-15. Review status: criteria provided, single submitter. Criteria: GeneDx Variant Classification Process June 2021. Collection method: clinical testing. Allele origin: germline. Affected: yes.
Comment: Not observed at significant frequency in large population cohorts (gnomAD); In silico analysis supports that this missense variant has a deleterious effect on protein structure/function; Has not been previously published as pathogenic or benign to our knowledge